The following is an entry in ClinVar:

NM_194255.4(SLC19A1):c.1012C>T (p.Leu338Phe)

Gene: SLC19A1 (solute carrier family 19 member 1; minus strand). Cytogenetic location: 21q22.3.
Variant type: single nucleotide variant.
Coding change: c.1012C>T on transcript NM_194255.4 (MANE Select); coding-DNA position 1012, C replaced by T.
Protein change: p.Leu338Phe; replaces leucine 338 with phenylalanine.
Molecular consequence: missense variant.
Genome position (GRCh38, 1-based): chr21:45,530,909, G>A on the plus strand (C>T on the coding strand, the complement: SLC19A1 is on the minus strand). VCF-style: chr21-45530909-G-A. GRCh37 (hg19) VCF-style: chr21-46950823-G-A.
Other names: c.1012C>T, p.Leu338Phe (NM_001205206.4, NM_001352511.3, NM_001352512.2); c.892C>T, p.Leu298Phe (NM_001205207.3); c.658C>T, p.Leu220Phe (NM_001352510.2); short protein forms L220F, L298F, L338F.
Identifiers: ClinVar variation 724746 (VCV000724746.13), dbSNP rs59638403, ClinGen allele CA10068447.

ClinVar aggregate classification (germline): Benign. Review status: criteria provided, multiple submitters, no conflicts (2 of 4 stars). 3 submissions from 3 submitters: Benign (2). 1 of the submissions does not count toward it. Last evaluated 2026-01-24.

Conditions:
SLC19A1-related disorder. Also called: SLC19A1-related condition.

Allele frequency attached by ClinVar (database versions not stated): gnomAD exomes 0.00039 and 0.00124; ExAC 0.00213; gnomAD 0.00418 and 0.00452; 1000 Genomes Project 30x 0.00453; 1000 Genomes Project 0.00459; TOPMed 0.00484; ESP Exome Variant Server 0.00525.
gnomAD v4.1: 1,163 of 1,476,568 alleles (0.079%); highest among the groups gnomAD compares: African/African-American, 1.5%; 15 homozygotes.

Submissions (3):

Labcorp Genetics (formerly Invitae), Labcorp
Classification: Benign. Last evaluated: 2026-01-24. Review status: criteria provided, single submitter. Criteria: Invitae Variant Classification Sherloc (09022015). Collection method: clinical testing. Allele origin: germline.

Breakthrough Genomics
Classification: Benign. Review status: criteria provided, single submitter. Criteria: ACMG Guidelines, 2015. Collection method: not provided. Allele origin: germline. Inheritance: Autosomal recessive inheritance. Affected: yes.

PreventionGenetics, part of Exact Sciences
Classification: Benign for SLC19A1-related condition. Last evaluated: 2019-05-31. Review status: no assertion criteria provided. Collection method: clinical testing. Allele origin: germline. Not counted in ClinVar's aggregate classification.
Comment: This variant is classified as benign based on ACMG/AMP sequence variant interpretation guidelines (Richards et al. 2015 PMID: 25741868, with internal and published modifications).